The following is an entry in ClinVar:

ClinVar aggregate classification (germline): Likely benign (1 of 4 stars; one submission).

Conditions:
Malignant hyperthermia, susceptibility to, 5 (MHS5). Also called: CACNA1S-Related Malignant Hyperthermia Susceptibility. Identifiers: Orphanet 423, MedGen C1866077, MONDO:0011163, OMIM 601887.

Allele frequency attached by ClinVar (database versions not stated): gnomAD exomes below 0.00001.
gnomAD v4.1: 2 of 1,614,198 alleles (0.00012%); highest among the groups gnomAD compares: Non-Finnish European, 0.00017%; no homozygotes.

Submission:

All of Us Research Program, National Institutes of Health
Classification: Likely benign for Malignant hyperthermia, susceptibility to, 5. Last evaluated: 2022-11-30. Review status: criteria provided, single submitter. Criteria: ACMG Guidelines, 2015. Collection method: clinical testing. Allele origin: germline. Inheritance: Autosomal dominant inheritance. Observed: 1 variant allele, 1 heterozygote.
Comment: This study involves interpretation of variants in research participants for the purpose of population health screening. Participant phenotype was not available at the time of variant classification. Additional details can be found in publication PMID: 35346344, PMCID: PMC8962531

NM_000069.3(CACNA1S):c.3798C>T (p.Ala1266=)

Gene: CACNA1S (calcium voltage-gated channel subunit alpha1 S; minus strand). Cytogenetic location: 1q32.1.
Variant type: single nucleotide variant.
Coding change: c.3798C>T on transcript NM_000069.3 (MANE Select); coding-DNA position 3798, C replaced by T.
Protein change: p.Ala1266=; no amino-acid change (alanine 1266 retained).
Molecular consequence: synonymous variant.
Genome position (GRCh38, 1-based): chr1:201,053,272, G>A on the plus strand (C>T on the coding strand, the complement: CACNA1S is on the minus strand). VCF-style: chr1-201053272-G-A. GRCh37 (hg19) VCF-style: chr1-201022400-G-A.
Identifiers: ClinVar variation 3069334 (VCV003069334.1), dbSNP rs2464458941, ClinGen allele CA422719546.